The following is an entry in ClinVar:

ClinVar aggregate classification (germline): Uncertain significance (1 of 4 stars; one submission).

Submission:

Labcorp Genetics (formerly Invitae), Labcorp
Classification: Uncertain significance. Last evaluated: 2024-10-24. Review status: criteria provided, single submitter. Criteria: Invitae Variant Classification Sherloc (09022015). Collection method: clinical testing. Allele origin: germline.
Comment: This sequence change replaces leucine, which is neutral and non-polar, with valine, which is neutral and non-polar, at codon 202 of the KRT5 protein (p.Leu202Val). This variant is not present in population databases (gnomAD no frequency). This variant has not been reported in the literature in individuals affected with KRT5-related conditions. ClinVar contains an entry for this variant (Variation ID: 1947416). Invitae Evidence Modeling of protein sequence and biophysical properties (such as structural, functional, and spatial information, amino acid conservation, physicochemical variation, residue mobility, and thermodynamic stability) has been performed for this missense variant. However, the output from this modeling did not meet the statistical confidence thresholds required to predict the impact of this variant on KRT5 protein function. This variant disrupts the p.Leu202 amino acid residue in KRT5. Other variant(s) that disrupt this residue have been observed in individuals with KRT5-related conditions (PMID: 26668653, 26743602), which suggests that this may be a clinically significant amino acid residue. In summary, the available evidence is currently insufficient to determine the role of this variant in disease. Therefore, it has been classified as a Variant of Uncertain Significance.

Literature cited by the submitters: PubMed 26668653; PubMed 26743602.

NM_000424.4(KRT5):c.604C>G (p.Leu202Val)

Genes: KRT5 (keratin 5; minus strand), LOC126861526 (BRD4-independent group 4 enhancer GRCh37_chr12:52912066-52913265; plus strand). Cytogenetic location: 12q13.13.
Variant type: single nucleotide variant.
Coding change: c.604C>G on transcript NM_000424.4 (MANE Select); coding-DNA position 604, C replaced by G.
Protein change: p.Leu202Val; replaces leucine 202 with valine.
Molecular consequence: missense variant.
Genome position (GRCh38, 1-based): chr12:52,519,112, G>C on the plus strand (C>G on the coding strand, the complement: KRT5 is on the minus strand). VCF-style: chr12-52519112-G-C. GRCh37 (hg19) VCF-style: chr12-52912896-G-C.
Other names: short protein forms L202V.
Identifiers: ClinVar variation 1947416 (VCV001947416.5), dbSNP rs1938666286, ClinGen allele CA384927848.